The following is an entry in ClinVar:

ClinVar aggregate classification (germline): Likely benign (1 of 4 stars; one submission).

Allele frequency attached by ClinVar (database versions not stated): gnomAD 0.00747 and 0.00755; TOPMed 0.00821; 1000 Genomes Project 0.01218; 1000 Genomes Project 30x 0.01359.
gnomAD v4.1: 1,124 of 152,336 alleles (0.74%); highest among the groups gnomAD compares: African/African-American, 2.2%; 10 homozygotes.

Submission:

GeneDx
Classification: Likely benign. Last evaluated: 2018-06-16. Review status: criteria provided, single submitter. Criteria: GeneDx Variant Classification (06012015). Collection method: clinical testing. Allele origin: germline. Affected: yes.
Comment: This variant is considered likely benign or benign based on one or more of the following criteria: it is a conservative change, it occurs at a poorly conserved position in the protein, it is predicted to be benign by multiple in silico algorithms, and/or has population frequency not consistent with disease.

NM_130837.3(OPA1):c.2332-265T>G

Gene: OPA1 (OPA1 mitochondrial dynamin like GTPase; plus strand). Cytogenetic location: 3q29.
Variant type: single nucleotide variant.
Coding change: c.2332-265T>G on transcript NM_130837.3 (MANE Select); 265 bases into the intron before coding-DNA position 2332, T replaced by G.
Molecular consequence: intron variant.
Genome position (GRCh38, 1-based): chr3:193,658,622, T>G. VCF-style: chr3-193658622-T-G. GRCh37 (hg19) VCF-style: chr3-193376411-T-G.
Other names: c.1795-265T>G (NM_001354664.2); c.1798-265T>G (NM_001354663.2); c.2221-265T>G (NM_130834.3); c.2278-265T>G (NM_130836.3); c.2167-265T>G (NM_015560.3); c.2224-265T>G (NM_130835.3); c.2113-265T>G (NM_130832.3); c.2170-265T>G (NM_130833.3); and 1 more.
Identifiers: ClinVar variation 673603 (VCV000673603.1), dbSNP rs12635939, ClinGen allele CA90546309.
Genomic context (GRCh38, chr3:193,658,622, plus strand): 5'-AGGTTTCTAGATGTTGCATTTCATGTAGTTAAATTTGTAATATTTTGTATAATGTAAATG[T>G]GTAATATTACCCACGCACCCCATATGGTTAGCTTGTTTAATTTGGGCCAGGAGAGAATCT-3'